The following is an entry in ClinVar:

NM_016816.4(OAS1):c.1179G>C (p.Glu393Asp)

Gene: OAS1 (2'-5'-oligoadenylate synthetase 1; plus strand). Cytogenetic location: 12q24.13.
Variant type: single nucleotide variant.
Coding change: c.1179G>C on transcript NM_016816.4 (MANE Select); coding-DNA position 1179, G replaced by C.
Protein change: p.Glu393Asp; replaces glutamic acid 393 with aspartic acid.
Molecular consequence: missense variant. On other transcripts: 3 prime UTR variant (5), non-coding transcript variant (9), intron variant (2).
Genome position (GRCh38, 1-based): chr12:112,919,529, G>C. VCF-style: chr12-112919529-G-C. GRCh37 (hg19) VCF-style: chr12-113357334-G-C.
Other names: c.1081G>C, p.Gly361Arg (NM_001032409.3); c.1057G>C, p.Gly353Arg (NM_001406020.1); c.1155G>C, p.Glu385Asp (NM_001406021.1); c.*816G>C (NM_001406022.1, NM_001406023.1, NM_001406029.1); c.*1772G>C (NM_001406024.1, NM_001406030.1); c.607G>C, p.Gly203Arg (NM_001406026.1); c.705G>C, p.Glu235Asp (NM_001406027.1); c.1038+1829G>C (NM_001320151.2); and 1 more; short protein forms E393D, G203R, E235D, E385D, G353R, G361R.
Identifiers: ClinVar variation 2821005 (VCV002821005.3), dbSNP rs1432744061, ClinGen allele CA386810632.
Genomic context (GRCh38, chr12:112,919,529, plus strand): 5'-CCCTCATTTCTCTCATAGACCCAGCACACTCCAGGCAGCATCCACCCCACAGGCAGAAGA[G>C]GACTGGACCTGCACCATCCTCTGAATGCCAGTGCATCTTGGGGGAAAGGGCTCCAGTGTT-3'
Protein context (NP_058132.2, residues 383-400): LQAASTPQAE[Glu393Asp]DWTCTIL

ClinVar aggregate classification (germline): Uncertain significance (1 of 4 stars; one submission).

Allele frequency attached by ClinVar (database versions not stated): gnomAD 0.00001.
gnomAD v4.1: 2 of 1,614,112 alleles (0.00012%); highest among the groups gnomAD compares: Non-Finnish European, 0.00017%; no homozygotes.

Submission:

Labcorp Genetics (formerly Invitae), Labcorp
Classification: Uncertain significance. Last evaluated: 2023-12-06. Review status: criteria provided, single submitter. Criteria: Invitae Variant Classification Sherloc (09022015). Collection method: clinical testing. Allele origin: germline.
Comment: This sequence change replaces glutamic acid, which is acidic and polar, with aspartic acid, which is acidic and polar, at codon 393 of the OAS1 protein (p.Glu393Asp). This variant is present in population databases (no rsID available, gnomAD 0.0009%). This variant has not been reported in the literature in individuals affected with OAS1-related conditions. Algorithms developed to predict the effect of missense changes on protein structure and function output the following: SIFT: "Not Available"; PolyPhen-2: "Benign"; Align-GVGD: "Not Available". The aspartic acid amino acid residue is found in multiple mammalian species, which suggests that this missense change does not adversely affect protein function. In summary, the available evidence is currently insufficient to determine the role of this variant in disease. Therefore, it has been classified as a Variant of Uncertain Significance.